The following is an entry in ClinVar:

NM_005431.2(XRCC2):c.227T>G (p.Val76Gly)

Gene: XRCC2 (X-ray repair cross complementing 2; minus strand). Cytogenetic location: 7q36.1.
Variant type: single nucleotide variant.
Coding change: c.227T>G on transcript NM_005431.2 (MANE Select); coding-DNA position 227, T replaced by G.
Protein change: p.Val76Gly; replaces valine 76 with glycine.
Molecular consequence: missense variant.
Genome position (GRCh38, 1-based): chr7:152,649,258, A>C on the plus strand (T>G on the coding strand, the complement: XRCC2 is on the minus strand). VCF-style: chr7-152649258-A-C. GRCh37 (hg19) VCF-style: chr7-152346343-A-C.
Other names: short protein forms V76G.
Identifiers: ClinVar variation 1788925 (VCV001788925.2), dbSNP rs2116988284, ClinGen allele CA370199156.
Genomic context (GRCh38, chr7:152,649,258, plus strand): 5'-AGAATTGTAACTAGCCGGAGCATATCAAAGTGGTAATCTGTATCAATAAATAAGACTTCT[A>C]CTTCCAGGCCACCTTCTGATTTGGGAAGTATACATCGTGCTGTTAGGTGATAAAGCATTT-3'
Protein context (NP_005422.1, residues 66-86): ILPKSEGGLE[Val76Gly]EVLFIDTDYH

ClinVar aggregate classification (germline): Uncertain significance (1 of 4 stars; one submission).

Conditions:
Hereditary cancer-predisposing syndrome. Also called: Hereditary Cancer Syndrome; Hereditary neoplastic syndrome; Tumor predisposition; Neoplastic Syndromes, Hereditary. Identifiers: Orphanet 140162, MedGen C0027672, MeSH D009386, MONDO:0015356.

Submission:

Ambry Genetics
Classification: Uncertain significance for Hereditary cancer-predisposing syndrome. Last evaluated: 2022-01-11. Review status: criteria provided, single submitter. Criteria: Ambry Variant Classification Scheme 2023. Collection method: clinical testing. Allele origin: germline.
Comment: The p.V76G variant (also known as c.227T>G), located in coding exon 3 of the XRCC2 gene, results from a T to G substitution at nucleotide position 227. The valine at codon 76 is replaced by glycine, an amino acid with dissimilar properties. This amino acid position is conserved. In addition, this alteration is predicted to be tolerated by in silico analysis. Since supporting evidence is limited at this time, the clinical significance of this alteration remains unclear.